The following is an entry in ClinVar:

ClinVar aggregate classification (germline): Uncertain significance (1 of 4 stars; one submission).

gnomAD v4.1: 12 of 1,549,808 alleles (0.00077%); highest among the groups gnomAD compares: Admixed American, 0.0059%; no homozygotes.

Submission:

Labcorp Genetics (formerly Invitae), Labcorp
Classification: Uncertain significance. Last evaluated: 2024-07-09. Review status: criteria provided, single submitter. Criteria: Invitae Variant Classification Sherloc (09022015). Collection method: clinical testing. Allele origin: germline.
Comment: This sequence change replaces arginine, which is basic and polar, with glutamine, which is neutral and polar, at codon 1380 of the OTOG protein (p.Arg1380Gln). This variant is present in population databases (no rsID available, gnomAD 0.009%). This variant has not been reported in the literature in individuals affected with OTOG-related conditions. An algorithm developed to predict the effect of missense changes on protein structure and function outputs the following: PolyPhen-2: "Benign". The glutamine amino acid residue is found in multiple mammalian species, which suggests that this missense change does not adversely affect protein function. In summary, the available evidence is currently insufficient to determine the role of this variant in disease. Therefore, it has been classified as a Variant of Uncertain Significance.

NM_001292063.2(OTOG):c.4103G>A (p.Arg1368Gln)

Gene: OTOG (otogelin; plus strand). Cytogenetic location: 11p15.1.
Variant type: single nucleotide variant.
Coding change: c.4103G>A on transcript NM_001292063.2 (MANE Select); coding-DNA position 4103, G replaced by A.
Protein change: p.Arg1368Gln; replaces arginine 1368 with glutamine.
Molecular consequence: missense variant.
Genome position (GRCh38, 1-based): chr11:17,606,082, G>A. VCF-style: chr11-17606082-G-A. GRCh37 (hg19) VCF-style: chr11-17627629-G-A.
Other names: c.4139G>A, p.Arg1380Gln (NM_001277269.2); short protein forms R1368Q, R1380Q.
Identifiers: ClinVar variation 3616713 (VCV003616713.2).